The following is an entry in ClinVar:

ClinVar aggregate classification (germline): Likely benign (1 of 4 stars; one submission).

Conditions:
Hereditary factor IX deficiency disease (HEMB). Also called: F9 DEFICIENCY; FACTOR IX DEFICIENCY; PLASMA THROMBOPLASTIN COMPONENT DEFICIENCY; Hemophilia B; Christmas Disease. Identifiers: Orphanet 98879, MedGen C0008533, MeSH D002836, MONDO:0010604, OMIM 306900.

Allele frequency attached by ClinVar (database versions not stated): 1000 Genomes Project 0.00106; gnomAD 0.00118 and 0.00125; 1000 Genomes Project 30x 0.00125; TOPMed 0.00138.

Submission:

Illumina Laboratory Services, Illumina
Classification: Likely benign for Hereditary factor IX deficiency disease. Last evaluated: 2018-01-12. Review status: criteria provided, single submitter. Criteria: ICSL Variant Classification Criteria 13 December 2019. Collection method: clinical testing. Allele origin: germline.
Comment: This variant was observed in the ICSL laboratory as part of a predisposition screen in an ostensibly healthy population. It had not been previously curated by ICSL or reported in the Human Gene Mutation Database (HGMD: prior to June 1st, 2018), and was therefore a candidate for classification through an automated scoring system. Utilizing variant allele frequency, disease prevalence and penetrance estimates, and inheritance mode, an automated score was calculated to assess if this variant is too frequent to cause the disease. Based on the score and internal cut-off values, a variant classified as likely benign is not then subjected to further curation. The score for this variant resulted in a classification of likely benign for this disease.

NM_000133.4(F9):c.*1048G>A

Gene: F9 (coagulation factor IX; plus strand). Cytogenetic location: Xq27.1.
Variant type: single nucleotide variant.
Coding change: c.*1048G>A on transcript NM_000133.4 (MANE Select); 1048 bases downstream of the stop codon, G replaced by A.
Molecular consequence: 3 prime UTR variant.
Genome position (GRCh38, 1-based): chrX:139,563,119, G>A. VCF-style: chrX-139563119-G-A. GRCh37 (hg19) VCF-style: chrX-138645278-G-A.
Other names: c.*1048G>A (NM_001313913.2).
Identifiers: ClinVar variation 368015 (VCV000368015.5), dbSNP rs752396182, ClinGen allele CA10651738.
Genomic context (GRCh38, chrX:139,563,119, plus strand): 5'-CAGACATATTGTACTCTTTCTAAAAATAATAATAATAATGCTAACAGAAAGAAGAGAACC[G>A]TTCGTTTGCAATCTACAGCTAGTAGAGACTTTGAGGAAGAATTCAACAGTGTGTCTTCAG-3'